The following is an entry in ClinVar:

ClinVar aggregate classification (germline): Uncertain significance. Review status: criteria provided, multiple submitters, no conflicts (2 of 4 stars). 3 submissions from 3 submitters: Uncertain significance (3). Last evaluated 2021-12-01.

Conditions:
Autosomal recessive ataxia, Beauce type. Also called: Spinocerebellar ataxia, autosomal recessive 8; ATAXIA, RECESSIVE, OF BEAUCE; SYNE1 Deficiency; SYNE1-Related Autosomal Recessive Cerebellar Ataxia. Identifiers: Orphanet 88644, MedGen C1853116, MONDO:0012549, OMIM 610743.
Emery-Dreifuss muscular dystrophy 4, autosomal dominant (EDMD4). Also called: EMERY-DREIFUSS MUSCULAR DYSTROPHY 4 WITH VARIABLE FEATURES. Identifiers: Orphanet 261, MedGen C2751807, MONDO:0013071, OMIM 612998.

Allele frequency attached by ClinVar (database versions not stated): gnomAD 0.00001; TOPMed 0.00002; gnomAD exomes 0.00003; ExAC 0.00005.
gnomAD v4.1: 38 of 1,613,256 alleles (0.0024%); highest among the groups gnomAD compares: Non-Finnish European, 0.003%; no homozygotes.

Submissions (3):

Labcorp Genetics (formerly Invitae), Labcorp
Classification: Uncertain significance for Emery-Dreifuss muscular dystrophy 4, autosomal dominant; Autosomal recessive ataxia, Beauce type. Last evaluated: 2021-12-01. Review status: criteria provided, single submitter. Criteria: Invitae Variant Classification Sherloc (09022015). Collection method: clinical testing. Allele origin: germline.
Comment: This sequence change replaces glutamic acid, which is acidic and polar, with lysine, which is basic and polar, at codon 6247 of the SYNE1 protein (p.Glu6247Lys). This variant is present in population databases (rs758182381, gnomAD 0.006%). This variant has not been reported in the literature in individuals affected with SYNE1-related conditions. ClinVar contains an entry for this variant (Variation ID: 289157). Algorithms developed to predict the effect of missense changes on protein structure and function (SIFT, PolyPhen-2, Align-GVGD) all suggest that this variant is likely to be disruptive. In summary, the available evidence is currently insufficient to determine the role of this variant in disease. Therefore, it has been classified as a Variant of Uncertain Significance.

Athena Diagnostics
Classification: Uncertain significance. Last evaluated: 2020-06-08. Review status: criteria provided, single submitter. Criteria: Athena Diagnostics Criteria. Collection method: clinical testing. Allele origin: unknown.

Eurofins Ntd Llc (ga)
Classification: Uncertain significance. Last evaluated: 2016-07-18. Review status: criteria provided, single submitter. Criteria: EGL Classification Definitions 2015. Collection method: clinical testing. Allele origin: germline. Observed: 2 variant alleles, 2 heterozygotes.

NM_182961.4(SYNE1):c.18952G>A (p.Glu6318Lys)

Gene: SYNE1 (spectrin repeat containing nuclear envelope protein 1; minus strand). Cytogenetic location: 6q25.2.
Variant type: single nucleotide variant.
Coding change: c.18952G>A on transcript NM_182961.4 (MANE Select); coding-DNA position 18952, G replaced by A.
Protein change: p.Glu6318Lys; replaces glutamic acid 6318 with lysine.
Molecular consequence: missense variant.
Genome position (GRCh38, 1-based): chr6:152,262,052, C>T on the plus strand (G>A on the coding strand, the complement: SYNE1 is on the minus strand). VCF-style: chr6-152262052-C-T. GRCh37 (hg19) VCF-style: chr6-152583187-C-T.
Other names: c.18739G>A, p.Glu6247Lys (NM_033071.5); short protein forms E6318K, E6247K.
Identifiers: ClinVar variation 289157 (VCV000289157.9), dbSNP rs758182381, ClinGen allele CA4054812.